The following is an entry in ClinVar:

NM_001160372.4(TRAPPC9):c.2808G>A (p.Gln936=)

Gene: TRAPPC9 (trafficking protein particle complex subunit 9; minus strand). Cytogenetic location: 8q24.3.
Variant type: single nucleotide variant.
Coding change: c.2808G>A on transcript NM_001160372.4 (MANE Select); coding-DNA position 2808, G replaced by A.
Protein change: p.Gln936=; no amino-acid change (glutamine 936 retained).
Molecular consequence: synonymous variant. On other transcripts: non-coding transcript variant (1), intron variant (1).
Genome position (GRCh38, 1-based): chr8:139,988,728, C>T on the plus strand (G>A on the coding strand, the complement: TRAPPC9 is on the minus strand). VCF-style: chr8-139988728-C-T. GRCh37 (hg19) VCF-style: chr8-140998936-C-T.
Other names: c.2781G>A, p.Gln927= (NM_001321646.2); c.2829G>A, p.Gln943= (NM_001374682.1); c.2664G>A, p.Gln888= (NM_001374684.1); c.2808G>A, p.Gln936= (NM_031466.8); c.2699+35209G>A (NM_001374683.1).
Identifiers: ClinVar variation 2171420 (VCV002171420.28), dbSNP rs768722657, ClinGen allele CA4892978.
Genomic context (GRCh38, chr8:139,988,728, plus strand): 5'-CAGCGTGGTGAAGGCAGAGGGTGGCCTGCGGCGGCGCGAGGGTCTATGGGACACTTACCG[C>T]TGGCACTCACCGGCGTGCAGGATGAGTGCCTCGCTGCTCCTGGTGCTGACGGTCAGCTCA-3'
Protein context (NP_001153844.1, residues 926-946): EALILHAGEC[Gln936=]RMAIQVDKFN

ClinVar aggregate classification (germline): Likely benign. Review status: criteria provided, multiple submitters, no conflicts (2 of 4 stars). 2 submissions from 2 submitters: Likely benign (2). Last evaluated 2025-05-01.

Allele frequency attached by ClinVar (database versions not stated): gnomAD 0.00004; gnomAD exomes 0.00008; TOPMed 0.00008; ExAC 0.00015.
gnomAD v4.1: 118 of 1,548,466 alleles (0.0076%); highest among the groups gnomAD compares: Non-Finnish European, 0.0095%; no homozygotes.

Submissions (2):

Labcorp Genetics (formerly Invitae), Labcorp
Classification: Likely benign. Last evaluated: 2025-05-01. Review status: criteria provided, single submitter. Criteria: Invitae Variant Classification Sherloc (09022015). Collection method: clinical testing. Allele origin: germline.

CeGaT Center for Human Genetics Tuebingen
Classification: Likely benign. Last evaluated: 2022-05-01. Review status: criteria provided, single submitter. Criteria: CeGaT Center For Human Genetics Tuebingen Variant Classification Criteria Version 2. Collection method: clinical testing. Allele origin: germline. Affected: yes. Observed: 1 variant allele.
Comment: TRAPPC9: BP4, BP7